The following is an entry in ClinVar:

NM_001367624.2(ZNF469):c.8077C>T (p.Pro2693Ser)

Gene: ZNF469 (zinc finger protein 469; plus strand). Cytogenetic location: 16q24.2.
Variant type: single nucleotide variant.
Coding change: c.8077C>T on transcript NM_001367624.2 (MANE Select); coding-DNA position 8077, C replaced by T.
Protein change: p.Pro2693Ser; replaces proline 2693 with serine.
Molecular consequence: missense variant.
Genome position (GRCh38, 1-based): chr16:88,435,547, C>T. VCF-style: chr16-88435547-C-T. GRCh37 (hg19) VCF-style: chr16-88501955-C-T.
Other names: NM_001127464.1:c.7993C>T; short protein forms P2693S.
Identifiers: ClinVar variation 2430521 (VCV002430521.3), dbSNP rs1380872774, ClinGen allele CA397115850.

ClinVar aggregate classification (germline): Conflicting classifications of pathogenicity. Review status: criteria provided, conflicting classifications (1 of 4 stars). 2 submissions from 2 submitters: Uncertain significance (1); Likely benign (1). Last evaluated 2023-01-25.

Conditions:
Cardiovascular phenotype. Identifiers: MedGen CN230736.

Allele frequency attached by ClinVar (database versions not stated): gnomAD 0.00001; TOPMed 0.00001; gnomAD exomes 0.00002.
gnomAD v4.1: 29 of 1,549,578 alleles (0.0019%); highest among the groups gnomAD compares: East Asian, 0.071%; no homozygotes.

Submissions (2):

Ambry Genetics
Classification: Likely benign for Cardiovascular phenotype. Last evaluated: 2023-01-25. Review status: criteria provided, single submitter. Criteria: Ambry Variant Classification Scheme 2023. Collection method: clinical testing. Allele origin: germline.

GeneDx
Classification: Uncertain significance. Last evaluated: 2022-08-23. Review status: criteria provided, single submitter. Criteria: GeneDx Variant Classification Process June 2021. Collection method: clinical testing. Allele origin: germline. Affected: yes.
Comment: In silico analysis supports that this missense variant does not alter protein structure/function; Has not been previously published as pathogenic or benign to our knowledge